The following is an entry in ClinVar:

ClinVar aggregate classification (germline): Uncertain significance (1 of 4 stars; one submission).

Conditions:
KIDINS220-related disorder. Also called: KIDINS220-related condition.

Submission:

PreventionGenetics, part of Exact Sciences
Classification: Uncertain significance for KIDINS220-related condition. Last evaluated: 2026-07-10. Review status: criteria provided, single submitter. Criteria: ACMG Guidelines, 2015. Collection method: clinical testing. Allele origin: germline.
Comment: The KIDINS220 c.1856C>T variant is predicted to result in the amino acid substitution p.Ala619Val. To our knowledge, this variant has not been reported in the literature or in a large population database (gnomAD), indicating this variant is rare. At this time, the clinical significance of this variant is uncertain due to the absence of conclusive functional and genetic evidence.

NM_020738.4(KIDINS220):c.1856C>T (p.Ala619Val)

Gene: KIDINS220 (kinase D interacting substrate 220; minus strand). Cytogenetic location: 2p25.1.
Variant type: single nucleotide variant.
Coding change: c.1856C>T on transcript NM_020738.4 (MANE Select); coding-DNA position 1856, C replaced by T.
Protein change: p.Ala619Val; replaces alanine 619 with valine.
Molecular consequence: missense variant. On other transcripts: non-coding transcript variant (2).
Genome position (GRCh38, 1-based): chr2:8,786,289, G>A on the plus strand (C>T on the coding strand, the complement: KIDINS220 is on the minus strand). VCF-style: chr2-8786289-G-A. GRCh37 (hg19) VCF-style: chr2-8926419-G-A.
Other names: c.1859C>T, p.Ala620Val (NM_001348729.2, NM_001348731.2, NM_001348734.2 and 3 more transcripts); c.1856C>T, p.Ala619Val (NM_001348732.2, NM_001348735.2, NM_001348738.2 and 3 more transcripts); c.1730C>T, p.Ala577Val (NM_001348736.2); short protein forms A619V, A577V, A620V.
Identifiers: ClinVar variation 4992513 (VCV004992513.1).